The following is an entry in ClinVar:

NM_001961.4(EEF2):c.1038C>T (p.Ala346=)

Gene: EEF2 (eukaryotic translation elongation factor 2; minus strand). Cytogenetic location: 19p13.3.
Variant type: single nucleotide variant.
Coding change: c.1038C>T on transcript NM_001961.4 (MANE Select); coding-DNA position 1038, C replaced by T.
Protein change: p.Ala346=; no amino-acid change (alanine 346 retained).
Molecular consequence: synonymous variant.
Genome position (GRCh38, 1-based): chr19:3,980,953, G>A on the plus strand (C>T on the coding strand, the complement: EEF2 is on the minus strand). VCF-style: chr19-3980953-G-A. GRCh37 (hg19) VCF-style: chr19-3980951-G-A.
Identifiers: ClinVar variation 3042336 (VCV003042336.2), dbSNP rs757785891, ClinGen allele CA9089029.

ClinVar aggregate classification (germline): Likely benign (0 of 4 stars; one submission).

Conditions:
EEF2-related disorder. Also called: EEF2-related condition.

gnomAD v4.1: 45 of 1,574,338 alleles (0.0029%); highest among the groups gnomAD compares: East Asian, 0.023%; no homozygotes.

Submission:

PreventionGenetics, part of Exact Sciences
Classification: Likely benign for EEF2-related condition. Last evaluated: 2019-06-12. Review status: no assertion criteria provided. Collection method: clinical testing. Allele origin: germline.
Comment: This variant is classified as likely benign based on ACMG/AMP sequence variant interpretation guidelines (Richards et al. 2015 PMID: 25741868, with internal and published modifications).